The following is an entry in ClinVar:

NM_001034853.2(RPGR):c.-14G>A

Genes: RPGR (retinitis pigmentosa GTPase regulator; minus strand), LOC130068098 (ATAC-STARR-seq lymphoblastoid silent region 20735; plus strand). Cytogenetic location: Xp11.4.
Variant type: single nucleotide variant.
Coding change: c.-14G>A on transcript NM_001034853.2 (MANE Select); 14 bases upstream of the start codon, G replaced by A.
Molecular consequence: 5 prime UTR variant. On other transcripts: non-coding transcript variant (5).
Genome position (GRCh38, 1-based): chrX:38,327,381, C>T on the plus strand (G>A on the coding strand, the complement: RPGR is on the minus strand). VCF-style: chrX-38327381-C-T. GRCh37 (hg19) VCF-style: chrX-38186634-C-T.
Other names: c.-14G>A (NM_000328.3, NM_001367245.1, NM_001367246.1 and 4 more transcripts).
Identifiers: ClinVar variation 3076187 (VCV003076187.1), dbSNP rs1169756982, ClinGen allele CA640873812.

ClinVar aggregate classification (germline): Uncertain significance (1 of 4 stars; one submission).

Conditions:
Primary ciliary dyskinesia. Also called: Ciliary dyskinesia. Identifiers: Orphanet 244, MedGen C0008780, MONDO:0016575, HP:0012265.

Allele frequency attached by ClinVar (database versions not stated): gnomAD exomes below 0.00001.
gnomAD v4.1: 1 of 1,182,900 alleles (0.000085%); highest among the groups gnomAD compares: African/African-American, 0.0017%; no homozygotes.

Submission:

Ambry Genetics
Classification: Uncertain significance for Primary ciliary dyskinesia. Last evaluated: 2016-01-11. Review status: criteria provided, single submitter. Criteria: Ambry Variant Classification Scheme 2023. Collection method: clinical testing. Allele origin: germline.
Comment: The c.-14G>A alteration is located in the 5' untranslated region (5'UTR) of the RPGR gene. This alteration consists of a G to A substitution nucleotides upstream from the first translated codon. Based on insufficient or conflicting evidence, the clinical significance of this alteration remains unclear.